The following is an entry in ClinVar:

ClinVar aggregate classification (germline): Uncertain significance (1 of 4 stars; one submission).

Conditions:
Senior-Loken syndrome 8 (SLSN8). Identifiers: Orphanet 3156, MedGen C4225376, MONDO:0014579, OMIM 616307.
Asphyxiating thoracic dystrophy 5 (SRTD5). Also called: SHORT-RIB THORACIC DYSPLASIA 5 WITH OR WITHOUT POLYDACTYLY; SHORT-RIB THORACIC DYSPLASIA 5 WITHOUT POLYDACTYLY. Identifiers: Orphanet 474, MedGen C3280598, MONDO:0013717, OMIM 614376.

Allele frequency attached by ClinVar (database versions not stated): TOPMed below 0.00001.
gnomAD v4.1: 1 of 1,552,526 alleles (0.000064%); highest among the groups gnomAD compares: Non-Finnish European, 0.000087%; no homozygotes.

Submission:

Labcorp Genetics (formerly Invitae), Labcorp
Classification: Uncertain significance for Senior-Loken syndrome 8; Asphyxiating thoracic dystrophy 5. Last evaluated: 2021-08-22. Review status: criteria provided, single submitter. Criteria: Invitae Variant Classification Sherloc (09022015). Collection method: clinical testing. Allele origin: germline.
Comment: In summary, the available evidence is currently insufficient to determine the role of this variant in disease. Therefore, it has been classified as a Variant of Uncertain Significance. Algorithms developed to predict the effect of sequence changes on RNA splicing suggest that this variant may disrupt the consensus splice site. This variant has not been reported in the literature in individuals affected with WDR19-related conditions. This variant is not present in population databases (ExAC no frequency). This sequence change falls in intron 1 of the WDR19 gene. It does not directly change the encoded amino acid sequence of the WDR19 protein.

NM_025132.4(WDR19):c.7-5T>G

Gene: WDR19 (WD repeat domain 19; plus strand). Cytogenetic location: 4p14.
Variant type: single nucleotide variant.
Coding change: c.7-5T>G on transcript NM_025132.4 (MANE Select); 5 bases into the intron before coding-DNA position 7, T replaced by G.
Molecular consequence: intron variant.
Genome position (GRCh38, 1-based): chr4:39,185,721, T>G. VCF-style: chr4-39185721-T-G. GRCh37 (hg19) VCF-style: chr4-39187341-T-G.
Other names: c.-358-5T>G (NM_001317924.2).
Identifiers: ClinVar variation 1467820 (VCV001467820.6), dbSNP rs1725441027, ClinGen allele CA1452045817.